The following is an entry in ClinVar:

NM_014141.6(CNTNAP2):c.1682A>G (p.Asn561Ser)

Gene: CNTNAP2 (contactin associated protein 2; plus strand). Cytogenetic location: 7q35.
Variant type: single nucleotide variant.
Coding change: c.1682A>G on transcript NM_014141.6 (MANE Select); coding-DNA position 1682, A replaced by G.
Protein change: p.Asn561Ser; replaces asparagine 561 with serine.
Molecular consequence: missense variant.
Genome position (GRCh38, 1-based): chr7:147,485,946, A>G. VCF-style: chr7-147485946-A-G. GRCh37 (hg19) VCF-style: chr7-147183038-A-G.
Other names: short protein forms N561S.
Identifiers: ClinVar variation 451897 (VCV000451897.3), dbSNP rs1488248731, ClinGen allele CA369925813.

ClinVar aggregate classification (germline): Uncertain significance (1 of 4 stars; one submission).

Allele frequency attached by ClinVar (database versions not stated): gnomAD exomes below 0.00001; gnomAD 0.00001.
gnomAD v4.1: 5 of 1,613,974 alleles (0.00031%); highest among the groups gnomAD compares: Non-Finnish European, 0.00034%; no homozygotes.

Submission:

GeneDx
Classification: Uncertain significance. Last evaluated: 2023-10-04. Review status: criteria provided, single submitter. Criteria: GeneDx Variant Classification Process June 2021. Collection method: clinical testing. Allele origin: germline. Affected: yes.
Comment: Not observed at significant frequency in large population cohorts (gnomAD); In silico analysis supports that this missense variant has a deleterious effect on protein structure/function; Has not been previously published as pathogenic or benign to our knowledge